The following is an entry in ClinVar:

NM_005883.3(APC2):c.2425C>T (p.Pro809Ser)

Gene: APC2 (APC regulator of Wnt signaling pathway 2; plus strand). Cytogenetic location: 19p13.3.
Variant type: single nucleotide variant.
Coding change: c.2425C>T on transcript NM_005883.3 (MANE Select); coding-DNA position 2425, C replaced by T.
Protein change: p.Pro809Ser; replaces proline 809 with serine.
Molecular consequence: missense variant.
Genome position (GRCh38, 1-based): chr19:1,465,726, C>T. VCF-style: chr19-1465726-C-T. GRCh37 (hg19) VCF-style: chr19-1465725-C-T.
Other names: c.2422C>T, p.Pro808Ser (NM_001351273.1); short protein forms P808S, P809S.
Identifiers: ClinVar variation 2002463 (VCV002002463.4), dbSNP rs2083998265, ClinGen allele CA403026313.

ClinVar aggregate classification (germline): Uncertain significance (1 of 4 stars; one submission).

gnomAD v4.1: 1 of 1,556,960 alleles (0.000064%); highest among the groups gnomAD compares: African/African-American, 0.0014%; no homozygotes.

Submission:

Labcorp Genetics (formerly Invitae), Labcorp
Classification: Uncertain significance. Last evaluated: 2022-06-05. Review status: criteria provided, single submitter. Criteria: Invitae Variant Classification Sherloc (09022015). Collection method: clinical testing. Allele origin: germline.
Comment: Algorithms developed to predict the effect of missense changes on protein structure and function output the following: SIFT: "Tolerated"; PolyPhen-2: "Benign"; Align-GVGD: "Class C0". The serine amino acid residue is found in multiple mammalian species, which suggests that this missense change does not adversely affect protein function. This sequence change replaces proline, which is neutral and non-polar, with serine, which is neutral and polar, at codon 809 of the APC2 protein (p.Pro809Ser). This variant is not present in population databases (gnomAD no frequency). This variant has not been reported in the literature in individuals affected with APC2-related conditions. In summary, the available evidence is currently insufficient to determine the role of this variant in disease. Therefore, it has been classified as a Variant of Uncertain Significance.